The following is an entry in ClinVar:

NM_058216.3(RAD51C):c.149T>A (p.Val50Asp)

Gene: RAD51C (RAD51 paralog C; plus strand). Cytogenetic location: 17q22.
Variant type: single nucleotide variant.
Coding change: c.149T>A on transcript NM_058216.3 (MANE Select); coding-DNA position 149, T replaced by A.
Protein change: p.Val50Asp; replaces valine 50 with aspartic acid.
Molecular consequence: missense variant. On other transcripts: non-coding transcript variant (2).
Genome position (GRCh38, 1-based): chr17:58,694,934, T>A. VCF-style: chr17-58694934-T-A. GRCh37 (hg19) VCF-style: chr17-56772295-T-A.
Other names: c.149T>A, p.Val50Asp (NM_002876.4, NM_058217.1); short protein forms V50D.
Identifiers: ClinVar variation 2562772 (VCV002562772.2), dbSNP rs2143717223, ClinGen allele CA400339517.

ClinVar aggregate classification (germline): Uncertain significance (1 of 4 stars; one submission).

Conditions:
Hereditary cancer-predisposing syndrome. Also called: Neoplastic Syndromes, Hereditary; Hereditary Cancer Syndrome; Hereditary neoplastic syndrome; Tumor predisposition. Identifiers: Orphanet 140162, MedGen C0027672, MeSH D009386, MONDO:0015356.

Submission:

Ambry Genetics
Classification: Uncertain significance for Hereditary cancer-predisposing syndrome. Last evaluated: 2023-03-17. Review status: criteria provided, single submitter. Criteria: Ambry Variant Classification Scheme 2023. Collection method: clinical testing. Allele origin: germline.
Comment: The p.V50D variant (also known as c.149T>A), located in coding exon 2 of the RAD51C gene, results from a T to A substitution at nucleotide position 149. The valine at codon 50 is replaced by aspartic acid, an amino acid with highly dissimilar properties. This amino acid position is conserved. In addition, this alteration is predicted to be tolerated by in silico analysis. Since supporting evidence is limited at this time, the clinical significance of this alteration remains unclear.